The following is an entry in ClinVar:

ClinVar aggregate classification (germline): Likely benign (0 of 4 stars; one submission).

Conditions:
LRP2-related disorder. Also called: LRP2-related condition.

Allele frequency attached by ClinVar (database versions not stated): gnomAD exomes below 0.00001; TOPMed below 0.00001.
gnomAD v4.1: 1 of 1,614,022 alleles (0.000062%); highest among the groups gnomAD compares: Non-Finnish European, 0.000085%; no homozygotes.

Submission:

PreventionGenetics, part of Exact Sciences
Classification: Likely benign for LRP2-related condition. Last evaluated: 2022-08-17. Review status: no assertion criteria provided. Collection method: clinical testing. Allele origin: germline.
Comment: This variant is classified as likely benign based on ACMG/AMP sequence variant interpretation guidelines (Richards et al. 2015 PMID: 25741868, with internal and published modifications).

NM_004525.3(LRP2):c.923-3T>C

Gene: LRP2 (LDL receptor related protein 2; minus strand). Cytogenetic location: 2q31.1.
Variant type: single nucleotide variant.
Coding change: c.923-3T>C on transcript NM_004525.3 (MANE Select); 3 bases into the intron before coding-DNA position 923, T replaced by C.
Molecular consequence: intron variant.
Genome position (GRCh38, 1-based): chr2:169,289,148, A>G on the plus strand (T>C on the coding strand, the complement: LRP2 is on the minus strand). VCF-style: chr2-169289148-A-G. GRCh37 (hg19) VCF-style: chr2-170145658-A-G.
Identifiers: ClinVar variation 3043967 (VCV003043967.2), dbSNP rs1683935502, ClinGen allele CA1306368657.